The following is an entry in ClinVar:

ClinVar aggregate classification (germline): Uncertain significance (1 of 4 stars; one submission).

Conditions:
Baller-Gerold syndrome (BGS). Also called: CRANIOSYNOSTOSIS WITH RADIAL DEFECTS. Identifiers: Orphanet 1225, MedGen C0265308, MONDO:0009039, OMIM 218600.

gnomAD v4.1: 48 of 1,611,518 alleles (0.003%); highest among the groups gnomAD compares: South Asian, 0.0011%; no homozygotes.

Submission:

Labcorp Genetics (formerly Invitae), Labcorp
Classification: Uncertain significance for Baller-Gerold syndrome. Last evaluated: 2024-10-21. Review status: criteria provided, single submitter. Criteria: Invitae Variant Classification Sherloc (09022015). Collection method: clinical testing. Allele origin: germline.
Comment: This sequence change replaces serine, which is neutral and polar, with asparagine, which is neutral and polar, at codon 523 of the RECQL4 protein (p.Ser523Asn). This variant is present in population databases (rs754735053, gnomAD 0.04%). This variant has not been reported in the literature in individuals affected with RECQL4-related conditions. ClinVar contains an entry for this variant (Variation ID: 647761). Invitae Evidence Modeling of protein sequence and biophysical properties (such as structural, functional, and spatial information, amino acid conservation, physicochemical variation, residue mobility, and thermodynamic stability) indicates that this missense variant is not expected to disrupt RECQL4 protein function with a negative predictive value of 80%. In summary, the available evidence is currently insufficient to determine the role of this variant in disease. Therefore, it has been classified as a Variant of Uncertain Significance.

NM_004260.4(RECQL4):c.1568G>A (p.Ser523Asn)

Gene: RECQL4 (RecQ like helicase 4; minus strand). Cytogenetic location: 8q24.3.
Variant type: single nucleotide variant.
Coding change: c.1568G>A on transcript NM_004260.4 (MANE Select); coding-DNA position 1568, G replaced by A.
Protein change: p.Ser523Asn; replaces serine 523 with asparagine.
Molecular consequence: missense variant.
Genome position (GRCh38, 1-based): chr8:144,514,988, C>T on the plus strand (G>A on the coding strand, the complement: RECQL4 is on the minus strand). VCF-style: chr8-144514988-C-T. GRCh37 (hg19) VCF-style: chr8-145740372-C-T.
Other names: short protein forms S523N.
Identifiers: ClinVar variation 647761 (VCV000647761.5), dbSNP rs754735053, ClinGen allele CA4948799.